The following is an entry in ClinVar:

NM_002880.4(RAF1):c.1668+19G>A

Gene: RAF1 (Raf-1 proto-oncogene, serine/threonine kinase; minus strand). Cytogenetic location: 3p25.2.
Variant type: single nucleotide variant.
Coding change: c.1668+19G>A on transcript NM_002880.4 (MANE Select); 19 bases into the intron after coding-DNA position 1668, G replaced by A.
Molecular consequence: intron variant.
Genome position (GRCh38, 1-based): chr3:12,585,103, C>T on the plus strand (G>A on the coding strand, the complement: RAF1 is on the minus strand). VCF-style: chr3-12585103-C-T. GRCh37 (hg19) VCF-style: chr3-12626602-C-T.
Other names: c.1326+19G>A (NM_001354695.3); c.1425+19G>A (NM_001354692.3, NM_001354691.3); c.1485+19G>A (NM_001354694.3); c.1569+19G>A (NM_001354693.3); c.1728+19G>A (NM_001354689.3); c.1668+19G>A (NM_001354690.3).
Identifiers: ClinVar variation 928990 (VCV000928990.8), dbSNP rs5746245, ClinGen allele CA2259450.

ClinVar aggregate classification (germline): Likely benign. Review status: criteria provided, multiple submitters, no conflicts (2 of 4 stars). 2 submissions from 2 submitters: Likely benign (2). Last evaluated 2025-12-30.

Conditions:
RASopathy. Also called: rasopathies; Noonan spectrum disorder. Identifiers: Orphanet 536391, MedGen C5555857, MONDO:0021060.

gnomAD v4.1: 81 of 1,613,966 alleles (0.005%); highest among the groups gnomAD compares: African/African-American, 0.019%; no homozygotes.

Submissions (2):

Labcorp Genetics (formerly Invitae), Labcorp
Classification: Likely benign for RASopathy. Last evaluated: 2025-12-30. Review status: criteria provided, single submitter. Criteria: Invitae Variant Classification Sherloc (09022015). Collection method: clinical testing. Allele origin: germline.

Women's Health and Genetics/Laboratory Corporation of America, LabCorp
Classification: Likely benign. Last evaluated: 2019-08-19. Review status: criteria provided, single submitter. Criteria: LabCorp Variant Classification Summary - May 2015. Collection method: clinical testing. Allele origin: germline.
Comment: Variant summary: RAF1 c.1668+19G>A alters a nucleotide located close to a canonical splice site and therefore could affect mRNA splicing, leading to a significantly altered protein sequence. Several computational tools predict a significant impact on normal splicing: Three predict the variant abolishes a cryptic 5' splicing donor site. However, these predictions have yet to be confirmed by functional studies. The variant allele was found at a frequency of 3.5e-05 in 282586 control chromosomes (gnomAD). The observed variant frequency is approximately 1.4 fold of the estimated maximal expected allele frequency for a pathogenic variant in RAF1 causing Noonan Syndrome and Related Conditions phenotype (2.5e-05), strongly suggesting that the variant is benign. To our knowledge, no occurrence of c.1668+19G>A in individuals affected with Noonan Syndrome and Related Conditions and no experimental evidence demonstrating its impact on protein function have been reported. No submitters have provided clinical-significance assessments for this variant to ClinVar after 2014. Based on the evidence outlined above, the variant was classified as likely benign.